The following is an entry in ClinVar:

ClinVar aggregate classification (germline): Uncertain significance. Review status: criteria provided, multiple submitters, no conflicts (2 of 4 stars). 3 submissions from 3 submitters: Uncertain significance (3). Last evaluated 2025-06-12.

Conditions:
Immunodeficiency, common variable, 10. Also called: IMMUNODEFICIENCY, COMMON VARIABLE, WITH CENTRAL ADRENAL INSUFFICIENCY; DEFICIT IN ANTERIOR PITUITARY FUNCTION AND VARIABLE IMMUNODEFICIENCY. Identifiers: MedGen C3809991, MONDO:0014260, OMIM 615577.

Allele frequency attached by ClinVar (database versions not stated): gnomAD exomes below 0.00001 and 0.00001; ExAC 0.00001; gnomAD 0.00001; TOPMed 0.00001.
gnomAD v4.1: 6 of 1,611,448 alleles (0.00037%); highest among the groups gnomAD compares: Non-Finnish European, 0.00051%; no homozygotes.

Submissions (3):

Labcorp Genetics (formerly Invitae), Labcorp
Classification: Uncertain significance for Immunodeficiency, common variable, 10. Last evaluated: 2025-06-12. Review status: criteria provided, single submitter. Criteria: Invitae Variant Classification Sherloc (09022015). Collection method: clinical testing. Allele origin: germline.
Comment: This sequence change replaces glycine, which is neutral and non-polar, with arginine, which is basic and polar, at codon 351 of the NFKB2 protein (p.Gly351Arg). This variant is present in population databases (rs45580031, gnomAD 0.002%). This variant has not been reported in the literature in individuals affected with NFKB2-related conditions. ClinVar contains an entry for this variant (Variation ID: 932328). An algorithm developed to predict the effect of missense changes on protein structure and function (PolyPhen-2) suggests that this variant is likely to be tolerated. In summary, the available evidence is currently insufficient to determine the role of this variant in disease. Therefore, it has been classified as a Variant of Uncertain Significance.

Blueprint Genetics
Classification: Uncertain significance. Last evaluated: 2023-08-29. Review status: criteria provided, single submitter. Criteria: ACMG Guidelines, 2015. Collection method: clinical testing. Allele origin: germline.

CeGaT Center for Human Genetics Tuebingen
Classification: Uncertain significance. Last evaluated: 2020-04-01. Review status: criteria provided, single submitter. Criteria: CeGaT Center For Human Genetics Tuebingen Variant Classification Criteria Version 2. Collection method: clinical testing. Allele origin: germline. Affected: yes. Observed: 1 variant allele.

NM_001322934.2(NFKB2):c.1051G>A (p.Gly351Arg)

Gene: NFKB2 (nuclear factor kappa B subunit 2; plus strand). Cytogenetic location: 10q24.32.
Variant type: single nucleotide variant.
Coding change: c.1051G>A on transcript NM_001322934.2 (MANE Select); coding-DNA position 1051, G replaced by A.
Protein change: p.Gly351Arg; replaces glycine 351 with arginine.
Molecular consequence: missense variant. On other transcripts: intron variant (1).
Genome position (GRCh38, 1-based): chr10:102,398,798, G>A. VCF-style: chr10-102398798-G-A. GRCh37 (hg19) VCF-style: chr10-104158555-G-A.
Other names: c.1051G>A, p.Gly351Arg (NM_001077494.3, NM_001261403.3, NM_001288724.1 and 1 more transcripts); c.991+275G>A (NM_001322935.1); short protein forms G351R.
Identifiers: ClinVar variation 932328 (VCV000932328.47), dbSNP rs45580031, ClinGen allele CA5664716.